The following is an entry in ClinVar:

ClinVar aggregate classification (germline): Uncertain significance (1 of 4 stars; one submission).

Conditions:
FNIP1-related disorder. Also called: FNIP1-related condition.

Allele frequency attached by ClinVar (database versions not stated): TOPMed below 0.00001; gnomAD exomes 0.00001.
gnomAD v4.1: 18 of 1,614,172 alleles (0.0011%); highest among the groups gnomAD compares: Middle Eastern, 0.082%; no homozygotes.

Submission:

PreventionGenetics, part of Exact Sciences
Classification: Uncertain significance for FNIP1-related condition. Last evaluated: 2022-11-14. Review status: criteria provided, single submitter. Criteria: ACMG Guidelines, 2015. Collection method: clinical testing. Allele origin: germline.
Comment: The FNIP1 c.2210T>C variant is predicted to result in the amino acid substitution p.Ile737Thr. To our knowledge, this variant has not been reported in the literature or in a large population database, indicating this variant is rare. At this time, the clinical significance of this variant is uncertain due to the absence of conclusive functional and genetic evidence.

NM_133372.3(FNIP1):c.2210T>C (p.Ile737Thr)

Gene: FNIP1 (folliculin interacting protein 1; minus strand). Cytogenetic location: 5q31.1.
Variant type: single nucleotide variant.
Coding change: c.2210T>C on transcript NM_133372.3 (MANE Select); coding-DNA position 2210, T replaced by C.
Protein change: p.Ile737Thr; replaces isoleucine 737 with threonine.
Molecular consequence: missense variant.
Genome position (GRCh38, 1-based): chr5:131,672,234, A>G on the plus strand (T>C on the coding strand, the complement: FNIP1 is on the minus strand). VCF-style: chr5-131672234-A-G. GRCh37 (hg19) VCF-style: chr5-131007927-A-G.
Other names: c.2126T>C, p.Ile709Thr (NM_001008738.3); c.2075T>C, p.Ile692Thr (NM_001346114.2); short protein forms I692T, I709T, I737T.
Identifiers: ClinVar variation 2635684 (VCV002635684.1), dbSNP rs770632116, ClinGen allele CA127127091.